The following is an entry in ClinVar:

NM_000111.3(SLC26A3):c.1755C>T (p.Gly585=)

Gene: SLC26A3 (solute carrier family 26 member 3; minus strand). Cytogenetic location: 7q22.3.
Variant type: single nucleotide variant.
Coding change: c.1755C>T on transcript NM_000111.3 (MANE Select); coding-DNA position 1755, C replaced by T.
Protein change: p.Gly585=; no amino-acid change (glycine 585 retained).
Molecular consequence: synonymous variant.
Genome position (GRCh38, 1-based): chr7:107,774,795, G>A on the plus strand (C>T on the coding strand, the complement: SLC26A3 is on the minus strand). VCF-style: chr7-107774795-G-A. GRCh37 (hg19) VCF-style: chr7-107415240-G-A.
Identifiers: ClinVar variation 2014620 (VCV002014620.4), dbSNP rs1794083305, ClinGen allele CA457105175.

ClinVar aggregate classification (germline): Uncertain significance (1 of 4 stars; one submission).

Submission:

Labcorp Genetics (formerly Invitae), Labcorp
Classification: Uncertain significance. Last evaluated: 2022-07-06. Review status: criteria provided, single submitter. Criteria: Invitae Variant Classification Sherloc (09022015). Collection method: clinical testing. Allele origin: germline.
Comment: In summary, the available evidence is currently insufficient to determine the role of this variant in disease. Therefore, it has been classified as a Variant of Uncertain Significance. Algorithms developed to predict the effect of sequence changes on RNA splicing suggest that this variant may create or strengthen a splice site. This variant has not been reported in the literature in individuals affected with SLC26A3-related conditions. This variant is not present in population databases (gnomAD no frequency). This sequence change affects codon 585 of the SLC26A3 mRNA. It is a 'silent' change, meaning that it does not change the encoded amino acid sequence of the SLC26A3 protein.